The following is an entry in ClinVar:

NM_001080508.3(TBX18):c.1661T>C (p.Phe554Ser)

Gene: TBX18 (T-box transcription factor 18; minus strand). Cytogenetic location: 6q14.3.
Variant type: single nucleotide variant.
Coding change: c.1661T>C on transcript NM_001080508.3 (MANE Select); coding-DNA position 1661, T replaced by C.
Protein change: p.Phe554Ser; replaces phenylalanine 554 with serine.
Molecular consequence: missense variant.
Genome position (GRCh38, 1-based): chr6:84,736,848, A>G on the plus strand (T>C on the coding strand, the complement: TBX18 is on the minus strand). VCF-style: chr6-84736848-A-G. GRCh37 (hg19) VCF-style: chr6-85446566-A-G.
Other names: short protein forms F554S.
Identifiers: ClinVar variation 1435081 (VCV001435081.6), dbSNP rs145316626, ClinGen allele CA3910799.
Genomic context (GRCh38, chr6:84,736,848, plus strand): 5'-CCTTCCACAGGGGGCAACATCTGCCGATCCGTCATGGTCCCACTCGGTGAGGACCCCAAG[A>G]AACTTCCTTGGGAAGAAACAATTTTCTCAGGACTGGCAGCCAGTTTGGGGGATGTGGAGA-3'
Protein context (NP_001073977.1, residues 544-564): PEKIVSSQGS[Phe554Ser]LGSSPSGTMT

ClinVar aggregate classification (germline): Uncertain significance (1 of 4 stars; one submission).

Allele frequency attached by ClinVar (database versions not stated): gnomAD 0.00012 and 0.00013; gnomAD exomes 0.00015 and 0.00017; 1000 Genomes Project 0.00020; TOPMed 0.00024; ExAC 0.00025; 1000 Genomes Project 30x 0.00031; ESP Exome Variant Server 0.00038.

Submission:

Labcorp Genetics (formerly Invitae), Labcorp
Classification: Uncertain significance. Last evaluated: 2025-01-16. Review status: criteria provided, single submitter. Criteria: Invitae Variant Classification Sherloc (09022015). Collection method: clinical testing. Allele origin: germline.
Comment: This sequence change replaces phenylalanine, which is neutral and non-polar, with serine, which is neutral and polar, at codon 554 of the TBX18 protein (p.Phe554Ser). This variant is present in population databases (rs145316626, gnomAD 0.03%). This variant has not been reported in the literature in individuals affected with TBX18-related conditions. ClinVar contains an entry for this variant (Variation ID: 1435081). An algorithm developed to predict the effect of missense changes on protein structure and function (PolyPhen-2) suggests that this variant is likely to be disruptive. In summary, the available evidence is currently insufficient to determine the role of this variant in disease. Therefore, it has been classified as a Variant of Uncertain Significance.